The following is an entry in ClinVar:

ClinVar aggregate classification (germline): Uncertain significance (1 of 4 stars; one submission).

Conditions:
Hereditary cancer-predisposing syndrome. Also called: Neoplastic Syndromes, Hereditary; Hereditary Cancer Syndrome; Tumor predisposition; Hereditary neoplastic syndrome. Identifiers: Orphanet 140162, MedGen C0027672, MeSH D009386, MONDO:0015356.

gnomAD v4.1: 1 of 1,614,042 alleles (0.000062%); highest among the groups gnomAD compares: South Asian, 0.0011%; no homozygotes.

Submission:

Ambry Genetics
Classification: Uncertain significance for Hereditary cancer-predisposing syndrome. Last evaluated: 2024-12-13. Review status: criteria provided, single submitter. Criteria: Ambry Variant Classification Scheme 2023. Collection method: clinical testing. Allele origin: germline.
Comment: The p.W1916R variant (also known as c.5746T>C), located in coding exon 42 of the POLE gene, results from a T to C substitution at nucleotide position 5746. The tryptophan at codon 1916 is replaced by arginine, an amino acid with dissimilar properties. This amino acid position is conserved. In addition, this alteration is predicted to be deleterious by in silico analysis. Based on the available evidence, the clinical significance of this variant remains unclear.

NM_006231.4(POLE):c.5746T>C (p.Trp1916Arg)

Gene: POLE (DNA polymerase epsilon, catalytic subunit; minus strand). Cytogenetic location: 12q24.33.
Variant type: single nucleotide variant.
Coding change: c.5746T>C on transcript NM_006231.4 (MANE Select); coding-DNA position 5746, T replaced by C.
Protein change: p.Trp1916Arg; replaces tryptophan 1916 with arginine.
Molecular consequence: missense variant.
Genome position (GRCh38, 1-based): chr12:132,635,957, A>G on the plus strand (T>C on the coding strand, the complement: POLE is on the minus strand). VCF-style: chr12-132635957-A-G. GRCh37 (hg19) VCF-style: chr12-133212543-A-G.
Other names: short protein forms W1916R.
Identifiers: ClinVar variation 3781530 (VCV003781530.1).